The following is an entry in ClinVar:

ClinVar aggregate classification (germline): Conflicting classifications of pathogenicity. Review status: criteria provided, conflicting classifications (1 of 4 stars). 6 submissions from 6 submitters: Uncertain significance (1); Benign (1); Likely benign (4). Last evaluated 2025-11-17.

Conditions:
Breast and/or ovarian cancer. Identifiers: MedGen CN221562.
Hereditary cancer-predisposing syndrome. Also called: Neoplastic Syndromes, Hereditary; Hereditary Cancer Syndrome; Tumor predisposition; Hereditary neoplastic syndrome. Identifiers: Orphanet 140162, MedGen C0027672, MeSH D009386, MONDO:0015356.
Ataxia-telangiectasia syndrome (AT). Also called: LOUIS-BAR SYNDROME; Cerebello-oculocutaneous telangiectasia; Immunodeficiency with ataxia telangiectasia; Ataxia-telangiectasia, complementation group D; AT, COMPLEMENTATION GROUP C; Ataxia-telangiectasia, complementation group E. Identifiers: Orphanet 100, MedGen C0004135, MONDO:0008840, OMIM 208900.
Familial cancer of breast. Also called: Hereditary breast cancer; BREAST CANCER, FAMILIAL; hereditary breast carcinoma. Identifiers: Orphanet 227535, MedGen C0346153, MONDO:0016419, OMIM 114480. Disease mechanism: loss of function.

Allele frequency attached by ClinVar (database versions not stated): gnomAD exomes 0.00001.
gnomAD v4.1: 11 of 1,614,058 alleles (0.00068%); highest among the groups gnomAD compares: Non-Finnish European, 0.00093%; no homozygotes.

Submissions (6):

Labcorp Genetics (formerly Invitae), Labcorp
Classification: Likely benign for Ataxia-telangiectasia syndrome. Last evaluated: 2025-11-17. Review status: criteria provided, single submitter. Criteria: Invitae Variant Classification Sherloc (09022015). Collection method: clinical testing. Allele origin: germline.

Myriad Genetics, Inc.
Classification: Benign for Familial cancer of breast. Last evaluated: 2024-06-14. Review status: criteria provided, single submitter. Criteria: Myriad Autosomal Dominant, Autosomal Recessive and X-Linked Classification Criteria (2023). Collection method: clinical testing. Allele origin: unknown.
Comment: This variant is considered benign. This variant is a silent/synonymous amino acid change and it is not expected to impact splicing.

Ambry Genetics
Classification: Likely benign for Hereditary cancer-predisposing syndrome. Last evaluated: 2024-05-22. Review status: criteria provided, single submitter. Criteria: Ambry Variant Classification Scheme 2023. Collection method: clinical testing. Allele origin: germline.

CHEO Genetics Diagnostic Laboratory, Children's Hospital of Eastern Ontario
Classification: Likely benign for Breast and/or ovarian cancer. Last evaluated: 2022-03-15. Review status: criteria provided, single submitter. Criteria: ACMG Guidelines, 2015. Collection method: clinical testing. Allele origin: germline.

GeneDx
Classification: Uncertain significance. Last evaluated: 2019-11-26. Review status: criteria provided, single submitter. Criteria: GeneDx Variant Classification Process June 2021. Collection method: clinical testing. Allele origin: germline. Affected: yes.
Comment: Not observed in large population cohorts (Lek 2016); Has not been previously published as pathogenic or benign to our knowledge; In-silico analysis, which includes splice predictors and evolutionary conservation, is inconclusive as to whether the variant alters gene splicing. In the absence of RNA/functional studies, the actual effect of this sequence change is unknown.

Color Diagnostics, LLC DBA Color Health
Classification: Likely benign for Hereditary cancer-predisposing syndrome. Last evaluated: 2017-05-12. Review status: criteria provided, single submitter. Criteria: ACMG Guidelines, 2015. Collection method: clinical testing. Allele origin: germline.

NM_000051.4(ATM):c.7500C>T (p.Val2500=)

Genes: ATM (ATM serine/threonine kinase; plus strand), C11orf65 (chromosome 11 open reading frame 65; minus strand). Cytogenetic location: 11q22.3.
Variant type: single nucleotide variant.
Coding change: c.7500C>T on transcript NM_000051.4 (MANE Select); coding-DNA position 7500, C replaced by T.
Protein change: p.Val2500=; no amino-acid change (valine 2500 retained).
Molecular consequence: synonymous variant. On other transcripts: intron variant (2).
Genome position (GRCh38, 1-based): chr11:108,330,406, C>T. VCF-style: chr11-108330406-C-T. GRCh37 (hg19) VCF-style: chr11-108201133-C-T.
Other names: c.7500C>T, p.Val2500= (NM_001351834.2); c.641-21335G>A (NM_001330368.2); c.*38+4814G>A (NM_001351110.2).
Identifiers: ClinVar variation 414566 (VCV000414566.57), dbSNP rs1060504286, ClinGen allele CA16613429.